The following is an entry in ClinVar:

NM_016169.4(SUFU):c.420A>T (p.Leu140Phe)

Gene: SUFU (SUFU negative regulator of hedgehog signaling; plus strand). Cytogenetic location: 10q24.32.
Variant type: single nucleotide variant.
Coding change: c.420A>T on transcript NM_016169.4 (MANE Select); coding-DNA position 420, A replaced by T.
Protein change: p.Leu140Phe; replaces leucine 140 with phenylalanine.
Molecular consequence: missense variant.
Genome position (GRCh38, 1-based): chr10:102,550,072, A>T. VCF-style: chr10-102550072-A-T. GRCh37 (hg19) VCF-style: chr10-104309829-A-T.
Other names: c.420A>T, p.Leu140Phe (NM_001178133.2); short protein forms L140F.
Identifiers: ClinVar variation 406390 (VCV000406390.11), dbSNP rs1060501111, ClinGen allele CA16612921.

ClinVar aggregate classification (germline): Uncertain significance (1 of 4 stars; one submission).

Conditions:
Medulloblastoma (MDB). Also called: Medulloblastoma, somatic; MEDULLOBLASTOMA PREDISPOSITION SYNDROME. Identifiers: Orphanet 616, MedGen C0025149, MeSH D008527, MONDO:0007959, OMIM 155255, HP:0002885.
Gorlin syndrome. Also called: Nevoid Basal Cell Carcinoma Syndrome; Basal cell nevus syndrome. Identifiers: Orphanet 377, MedGen C0004779, MONDO:0007187.

Submission:

Labcorp Genetics (formerly Invitae), Labcorp
Classification: Uncertain significance for Gorlin syndrome; Medulloblastoma. Last evaluated: 2019-04-24. Review status: criteria provided, single submitter. Criteria: Invitae Variant Classification Sherloc (09022015). Collection method: clinical testing. Allele origin: germline.
Comment: This sequence change replaces leucine with phenylalanine at codon 140 of the SUFU protein (p.Leu140Phe). The leucine residue is highly conserved and there is a small physicochemical difference between leucine and phenylalanine. This variant is not present in population databases (ExAC no frequency) and has not been reported in the literature in individuals with a SUFU-related disease. Algorithms developed to predict the effect of missense changes on protein structure and function do not agree on the potential impact of this missense change (SIFT: "Deleterious"; PolyPhen-2: "Probably Damaging"; Align-GVGD: "Class C15"). In summary, this variant is a novel missense change with uncertain impact on protein function. It has been classified as a Variant of Uncertain Significance.